The following is an entry in ClinVar:

NC_012920.1(MT-ND5):m.13946T>C

Gene: MT-ND5 (mitochondrially encoded NADH dehydrogenase 5; plus strand).
Variant type: single nucleotide variant.
Genome position: chrM-13946-T-C.
Identifiers: ClinVar variation 693640 (VCV000693640.1), dbSNP rs1603224429, ClinGen allele CA414820217.

ClinVar aggregate classification (germline): Uncertain significance (1 of 4 stars; one submission).

Conditions:
Leigh syndrome (NULS). Also called: Leigh's necrotizing encephalopathy; Leigh's disease; Leigh's syndrome; LEIGH SYNDROME, NUCLEAR; Leigh Syndrome (mtDNA deletion); Leigh Disease. Identifiers: Orphanet 506, MedGen C2931891, MONDO:0009723, OMIM 256000.

Submission:

Wong Mito Lab, Molecular and Human Genetics, Baylor College of Medicine
Classification: Uncertain significance for Leigh syndrome. Last evaluated: 2019-10-17. Review status: criteria provided, single submitter. Criteria: Modified ACMG Guidelines (Unpublished). Collection method: clinical testing. Allele origin: germline.
Comment: The NC_012920.1:m.13946T>C (YP_003024036.1:p.Ile537Thr) variant in MTND5 gene is interpretated to be a Uncertain Significance variant based on the modified ACMG guidelines (unpublished). This variant meets the following evidence codes: PP6, PP7, BP4, BP5